The following is an entry in ClinVar:

NM_001131016.2(CIZ1):c.2251G>A (p.Glu751Lys)

Gene: CIZ1 (CDKN1A interacting zinc finger protein 1; minus strand). Cytogenetic location: 9q34.11.
Variant type: single nucleotide variant.
Coding change: c.2251G>A on transcript NM_001131016.2 (MANE Select); coding-DNA position 2251, G replaced by A.
Protein change: p.Glu751Lys; replaces glutamic acid 751 with lysine.
Molecular consequence: missense variant.
Genome position (GRCh38, 1-based): chr9:128,169,096, C>T on the plus strand (G>A on the coding strand, the complement: CIZ1 is on the minus strand). VCF-style: chr9-128169096-C-T. GRCh37 (hg19) VCF-style: chr9-130931375-C-T.
Other names: c.2083G>A, p.Glu695Lys (NM_001131015.2); c.2068G>A, p.Glu690Lys (NM_001131017.2); c.2011G>A, p.Glu671Lys (NM_001131018.2); c.2419G>A, p.Glu807Lys (NM_001257975.2); c.1948G>A, p.Glu650Lys (NM_001257976.2); c.2251G>A, p.Glu751Lys (NM_012127.3); short protein forms E671K, E690K, E695K, E650K, E751K, E807K.
Identifiers: ClinVar variation 2179493 (VCV002179493.4), dbSNP rs760155484, ClinGen allele CA5257075.
Genomic context (GRCh38, chr9:128,169,096, plus strand): 5'-ACCCTCCCCCCAGCACCTGCTTGCAGAGTTCCTCCTCAACCTCGATCTCTTCTTCATCCT[C>T]ATCATCCTCTTCCTCTTCTTCATCACCCTCGAAGCAACCCACAGCGTCCACTGTAATGAA-3'
Protein context (NP_001124488.1, residues 741-761): EGDEEEEEDD[Glu751Lys]DEEEIEVEEE

ClinVar aggregate classification (germline): Uncertain significance (1 of 4 stars; one submission).

Conditions:
Dystonic disorder. Also called: Dystonia. Identifiers: MedGen C0013421, MONDO:0003441, HP:0001332.

Allele frequency attached by ClinVar (database versions not stated): gnomAD exomes 0.00001; TOPMed 0.00002; ExAC 0.00003.
gnomAD v4.1: 5 of 1,614,078 alleles (0.00031%); highest among the groups gnomAD compares: Admixed American, 0.0083%; no homozygotes.

Submission:

Labcorp Genetics (formerly Invitae), Labcorp
Classification: Uncertain significance for Dystonic disorder. Last evaluated: 2022-06-22. Review status: criteria provided, single submitter. Criteria: Invitae Variant Classification Sherloc (09022015). Collection method: clinical testing. Allele origin: germline.
Comment: This sequence change replaces glutamic acid, which is acidic and polar, with lysine, which is basic and polar, at codon 751 of the CIZ1 protein (p.Glu751Lys). This variant is present in population databases (rs760155484, gnomAD 0.01%). This variant has not been reported in the literature in individuals affected with CIZ1-related conditions. Algorithms developed to predict the effect of missense changes on protein structure and function are either unavailable or do not agree on the potential impact of this missense change (SIFT: "Deleterious"; PolyPhen-2: "Benign"; Align-GVGD: "Class C15"). In summary, the available evidence is currently insufficient to determine the role of this variant in disease. Therefore, it has been classified as a Variant of Uncertain Significance.